The following is an entry in ClinVar:

NM_001098426.2(SMARCD2):c.263A>G (p.Gln88Arg)

Gene: SMARCD2 (SWI/SNF related BAF chromatin remodeling complex subunit D2; minus strand). Cytogenetic location: 17q23.3.
Variant type: single nucleotide variant.
Coding change: c.263A>G on transcript NM_001098426.2 (MANE Select); coding-DNA position 263, A replaced by G.
Protein change: p.Gln88Arg; replaces glutamine 88 with arginine.
Molecular consequence: missense variant.
Genome position (GRCh38, 1-based): chr17:63,837,579, T>C on the plus strand (A>G on the coding strand, the complement: SMARCD2 is on the minus strand). VCF-style: chr17-63837579-T-C. GRCh37 (hg19) VCF-style: chr17-61914939-T-C.
Other names: c.38A>G, p.Gln13Arg (NM_001330439.1); c.119A>G, p.Gln40Arg (NM_001330440.2); short protein forms Q13R, Q40R, Q88R.
Identifiers: ClinVar variation 2782104 (VCV002782104.3), dbSNP rs765596204, ClinGen allele CA8706538.

ClinVar aggregate classification (germline): Uncertain significance (1 of 4 stars; one submission).

Allele frequency attached by ClinVar (database versions not stated): gnomAD exomes below 0.00001; TOPMed below 0.00001; ExAC 0.00002.
gnomAD v4.1: 3 of 1,612,692 alleles (0.00019%); highest among the groups gnomAD compares: East Asian, 0.0045%; no homozygotes.

Submission:

Labcorp Genetics (formerly Invitae), Labcorp
Classification: Uncertain significance. Last evaluated: 2023-12-10. Review status: criteria provided, single submitter. Criteria: Invitae Variant Classification Sherloc (09022015). Collection method: clinical testing. Allele origin: germline.
Comment: This sequence change replaces glutamine, which is neutral and polar, with arginine, which is basic and polar, at codon 88 of the SMARCD2 protein (p.Gln88Arg). This variant is present in population databases (rs765596204, gnomAD 0.02%). This variant has not been reported in the literature in individuals affected with SMARCD2-related conditions. Advanced modeling of protein sequence and biophysical properties (such as structural, functional, and spatial information, amino acid conservation, physicochemical variation, residue mobility, and thermodynamic stability) performed at Invitae indicates that this missense variant is not expected to disrupt SMARCD2 protein function with a negative predictive value of 80%. In summary, the available evidence is currently insufficient to determine the role of this variant in disease. Therefore, it has been classified as a Variant of Uncertain Significance.